The following is an entry in ClinVar:

NM_001134363.3(RBM20):c.2728A>G (p.Thr910Ala)

Gene: RBM20 (RNA binding motif protein 20; plus strand). Cytogenetic location: 10q25.2.
Variant type: single nucleotide variant.
Coding change: c.2728A>G on transcript NM_001134363.3 (MANE Select); coding-DNA position 2728, A replaced by G.
Protein change: p.Thr910Ala; replaces threonine 910 with alanine.
Molecular consequence: missense variant.
Genome position (GRCh38, 1-based): chr10:110,821,347, A>G. VCF-style: chr10-110821347-A-G. GRCh37 (hg19) VCF-style: chr10-112581105-A-G.
Other names: short protein forms T910A.
Identifiers: ClinVar variation 4767819 (VCV004767819.2).
Genomic context (GRCh38, chr10:110,821,347, plus strand): 5'-GAGAGTGAAAGTGAGGCAGAGGGGGAGAGCTGGTATCCCACTAACATGGAGGAGCTGGTG[A>G]CAGTGGACGAGGTTGGGGAAGAAGAAGATTTTATCGTGGAACCAGACATCCCAGAGCTGG-3'
Protein context (NP_001127835.2, residues 900-920): WYPTNMEELV[Thr910Ala]VDEVGEEEDF

ClinVar aggregate classification (germline): Uncertain significance. Review status: criteria provided, multiple submitters, no conflicts (2 of 4 stars). 2 submissions from 2 submitters: Uncertain significance (2). Last evaluated 2025-07-25.

Conditions:
Dilated cardiomyopathy 1DD (CMD1DD). Identifiers: Orphanet 154, MedGen C2750995, MONDO:0013168, OMIM 613172.

Submissions (2):

Labcorp Genetics (formerly Invitae), Labcorp
Classification: Uncertain significance for Dilated cardiomyopathy 1DD. Last evaluated: 2025-07-25. Review status: criteria provided, single submitter. Criteria: Invitae Variant Classification Sherloc (09022015). Collection method: clinical testing. Allele origin: germline.
Comment: This sequence change replaces threonine, which is neutral and polar, with alanine, which is neutral and non-polar, at codon 910 of the RBM20 protein (p.Thr910Ala). This variant is not present in population databases (gnomAD no frequency). This variant has not been reported in the literature in individuals affected with RBM20-related conditions. Invitae Evidence Modeling of protein sequence and biophysical properties (such as structural, functional, and spatial information, amino acid conservation, physicochemical variation, residue mobility, and thermodynamic stability) indicates that this missense variant is not expected to disrupt RBM20 protein function with a negative predictive value of 95%. In summary, the available evidence is currently insufficient to determine the role of this variant in disease. Therefore, it has been classified as a Variant of Uncertain Significance.

Blueprint Genetics
Classification: Uncertain significance. Last evaluated: 2023-09-26. Review status: criteria provided, single submitter. Criteria: ACMG Guidelines, 2015. Collection method: clinical testing. Allele origin: germline.